The following is an entry in ClinVar:

NM_004398.4(DDX10):c.846T>C (p.Tyr282=)

Genes: DDX10 (DEAD-box helicase 10; plus strand), LOC106865368 (inversion(11)(p15q22) DEAD (Asp-Glu-Ala-Asp) box polypeptide 10 recombination region; plus strand). Cytogenetic location: 11q22.3.
Variant type: single nucleotide variant.
Coding change: c.846T>C on transcript NM_004398.4 (MANE Select); coding-DNA position 846, T replaced by C.
Protein change: p.Tyr282=; no amino-acid change (tyrosine 282 retained).
Molecular consequence: synonymous variant.
Genome position (GRCh38, 1-based): chr11:108,679,558, T>C. VCF-style: chr11-108679558-T-C. GRCh37 (hg19) VCF-style: chr11-108550285-T-C.
Identifiers: ClinVar variation 790363 (VCV000790363.27), dbSNP rs61751526, ClinGen allele CA6268686.
Genomic context (GRCh38, chr11:108,679,558, plus strand): 5'-CCTTGCACGCTTGAGTTTGAAAAACCCTGAGTATGTCTGGGTTCATGAAAAAGCAAAATA[T>C]AGGTATGTACTCTTTGAGTCAATCAAGATAAATGTTTTTTACTTTTTTAGTTTAGGGATT-3'
Protein context (NP_004389.2, residues 272-292): EYVWVHEKAK[Tyr282=]STPATLEQNY

ClinVar aggregate classification (germline): Benign/Likely benign. Review status: criteria provided, multiple submitters, no conflicts (2 of 4 stars). 2 submissions from 2 submitters: Benign (1); Likely benign (1). Last evaluated 2023-04-01.

Allele frequency attached by ClinVar (database versions not stated): 1000 Genomes Project 30x 0.00078; 1000 Genomes Project 0.00080; TOPMed 0.00255; ExAC 0.00265; gnomAD 0.00293 and 0.00301; ESP Exome Variant Server 0.00354; gnomAD exomes 0.00413.
gnomAD v4.1: 6,419 of 1,597,166 alleles (0.4%); highest among the groups gnomAD compares: Non-Finnish European, 0.46%; 22 homozygotes.

Submissions (2):

CeGaT Center for Human Genetics Tuebingen
Classification: Likely benign. Last evaluated: 2023-04-01. Review status: criteria provided, single submitter. Criteria: CeGaT Center For Human Genetics Tuebingen Variant Classification Criteria Version 2. Collection method: clinical testing. Allele origin: germline. Affected: yes. Observed: 1 variant allele.
Comment: DDX10: BP4, BP7, BS2

Labcorp Genetics (formerly Invitae), Labcorp
Classification: Benign. Last evaluated: 2017-11-30. Review status: criteria provided, single submitter. Criteria: Invitae Variant Classification Sherloc (09022015). Collection method: clinical testing. Allele origin: germline.